The following is an entry in ClinVar:

NM_001367624.2(ZNF469):c.4427G>A (p.Arg1476Lys)

Gene: ZNF469 (zinc finger protein 469; plus strand). Cytogenetic location: 16q24.2.
Variant type: single nucleotide variant.
Coding change: c.4427G>A on transcript NM_001367624.2 (MANE Select); coding-DNA position 4427, G replaced by A.
Protein change: p.Arg1476Lys; replaces arginine 1476 with lysine.
Molecular consequence: missense variant.
Genome position (GRCh38, 1-based): chr16:88,431,897, G>A. VCF-style: chr16-88431897-G-A. GRCh37 (hg19) VCF-style: chr16-88498305-G-A.
Other names: NM_001127464.1:c.4343G>A; short protein forms R1476K.
Identifiers: ClinVar variation 282069 (VCV000282069.8), dbSNP rs763632522, ClinGen allele CA8224953.

ClinVar aggregate classification (germline): Uncertain significance. Review status: criteria provided, multiple submitters, no conflicts (2 of 4 stars). 2 submissions from 2 submitters: Uncertain significance (2). Last evaluated 2024-05-21.

Conditions:
Cardiovascular phenotype. Identifiers: MedGen CN230736.

Allele frequency attached by ClinVar (database versions not stated): gnomAD exomes 0.00002 and 0.00003; TOPMed 0.00003; ExAC 0.00010.
gnomAD v4.1: 50 of 1,549,682 alleles (0.0032%); highest among the groups gnomAD compares: Non-Finnish European, 0.0043%; no homozygotes.

Submissions (2):

Ambry Genetics
Classification: Uncertain significance for Cardiovascular phenotype. Last evaluated: 2024-05-21. Review status: criteria provided, single submitter. Criteria: Ambry Variant Classification Scheme 2023. Collection method: clinical testing. Allele origin: germline.
Comment: The p.R1448K variant (also known as c.4343G>A), located in coding exon 2 of the ZNF469 gene, results from a G to A substitution at nucleotide position 4343. The arginine at codon 1448 is replaced by lysine, an amino acid with highly similar properties. This amino acid position is conserved. In addition, this alteration is predicted to be tolerated by in silico analysis. Since supporting evidence is limited at this time, the clinical significance of this alteration remains unclear.

Eurofins Ntd Llc (ga)
Classification: Uncertain significance. Last evaluated: 2015-08-05. Review status: criteria provided, single submitter. Criteria: EGL Classification Definitions 2015. Collection method: clinical testing. Allele origin: germline. Observed: 1 variant allele, 1 heterozygote.